The following is an entry in ClinVar:

ClinVar aggregate classification (germline): Conflicting classifications of pathogenicity. Review status: criteria provided, conflicting classifications (1 of 4 stars). 3 submissions from 3 submitters: Uncertain significance (1); Benign (1). 1 of the submissions does not count toward it. Last evaluated 2024-12-03.

Conditions:
WNK4-related disorder. Also called: WNK4-related condition.
Pseudohypoaldosteronism type 2B (PHA2B). Also called: Pseudohypoaldosteronism Type IIB. Identifiers: Orphanet 757, Orphanet 88939, MedGen C1840390, MONDO:0013777, OMIM 614491.

Allele frequency attached by ClinVar (database versions not stated): ExAC 0.00008; gnomAD 0.00011; TOPMed 0.00011; ESP Exome Variant Server 0.00015.
gnomAD v4.1: 104 of 1,613,992 alleles (0.0064%); highest among the groups gnomAD compares: Admixed American, 0.023%; no homozygotes.

Submissions (3):

Labcorp Genetics (formerly Invitae), Labcorp
Classification: Benign. Last evaluated: 2024-12-03. Review status: criteria provided, single submitter. Criteria: Invitae Variant Classification Sherloc (09022015). Collection method: clinical testing. Allele origin: germline.

Department of Pathology and Laboratory Medicine, Sinai Health System
Classification: Uncertain significance for Pseudohypoaldosteronism type 2B. Last evaluated: 2021-11-18. Review status: criteria provided, single submitter. Criteria: ACMG Guidelines, 2015. Collection method: research. Allele origin: germline.

PreventionGenetics, part of Exact Sciences
Classification: Likely benign for WNK4-related condition. Last evaluated: 2024-05-30. Review status: no assertion criteria provided. Collection method: clinical testing. Allele origin: germline. Not counted in ClinVar's aggregate classification.
Comment: This variant is classified as likely benign based on ACMG/AMP sequence variant interpretation guidelines (Richards et al. 2015 PMID: 25741868, with internal and published modifications).

NM_032387.5(WNK4):c.2893C>T (p.Leu965Phe)

Gene: WNK4 (WNK lysine deficient protein kinase 4; plus strand). Cytogenetic location: 17q21.2.
Variant type: single nucleotide variant.
Coding change: c.2893C>T on transcript NM_032387.5 (MANE Select); coding-DNA position 2893, C replaced by T.
Protein change: p.Leu965Phe; replaces leucine 965 with phenylalanine.
Molecular consequence: missense variant.
Genome position (GRCh38, 1-based): chr17:42,795,314, C>T. VCF-style: chr17-42795314-C-T. GRCh37 (hg19) VCF-style: chr17-40947332-C-T.
Other names: c.2893C>T (NM_032387.4); c.1885C>T, p.Leu629Phe (NM_001321299.2); short protein forms L629F, L965F.
Identifiers: ClinVar variation 2054849 (VCV002054849.6), dbSNP rs200640984, ClinGen allele CA8584460.